The following is an entry in ClinVar:

ClinVar aggregate classification (germline): Likely benign (0 of 4 stars; one submission).

Conditions:
RECQL5-related disorder. Also called: RECQL5-related condition.

Allele frequency attached by ClinVar (database versions not stated): ExAC 0.00001; gnomAD exomes 0.00001; TOPMed 0.00002; gnomAD 0.00003; 1000 Genomes Project 30x 0.00016; 1000 Genomes Project 0.00020.
gnomAD v4.1: 21 of 1,613,492 alleles (0.0013%); highest among the groups gnomAD compares: Non-Finnish European, 0.0018%; no homozygotes.

Submission:

PreventionGenetics, part of Exact Sciences
Classification: Likely benign for RECQL5-related condition. Last evaluated: 2022-04-25. Review status: no assertion criteria provided. Collection method: clinical testing. Allele origin: germline.
Comment: This variant is classified as likely benign based on ACMG/AMP sequence variant interpretation guidelines (Richards et al. 2015 PMID: 25741868, with internal and published modifications).

NM_004259.7(RECQL5):c.1229+549G>T

Gene: RECQL5 (RecQ like helicase 5; minus strand). Cytogenetic location: 17q25.1.
Variant type: single nucleotide variant.
Coding change: c.1229+549G>T on transcript NM_004259.7 (MANE Select); 549 bases into the intron after coding-DNA position 1229, G replaced by T.
Molecular consequence: intron variant. On other transcripts: 3 prime UTR variant (2).
Genome position (GRCh38, 1-based): chr17:75,650,637, C>A on the plus strand (G>T on the coding strand, the complement: RECQL5 is on the minus strand). VCF-style: chr17-75650637-C-A. GRCh37 (hg19) VCF-style: chr17-73646717-C-A.
Other names: c.*3G>T (NM_001003715.4); c.*545G>T (NM_001003716.4).
Identifiers: ClinVar variation 3044777 (VCV003044777.2), dbSNP rs201936870, ClinGen allele CA8767686.